The following is an entry in ClinVar:

ClinVar aggregate classification (germline): Uncertain significance. Review status: criteria provided, multiple submitters, no conflicts (2 of 4 stars). 2 submissions from 2 submitters: Uncertain significance (2). Last evaluated 2023-05-01.

Conditions:
Frontotemporal dementia and/or amyotrophic lateral sclerosis 4. Also called: FTDALS4. Identifiers: Orphanet 275872, MedGen C4225325, MONDO:0014641, OMIM 616439.

Allele frequency attached by ClinVar (database versions not stated): gnomAD exomes below 0.00001.
gnomAD v4.1: 6 of 1,608,640 alleles (0.00037%); highest among the groups gnomAD compares: Non-Finnish European, 0.00051%; no homozygotes.

Submissions (2):

CeGaT Center for Human Genetics Tuebingen
Classification: Uncertain significance. Last evaluated: 2023-05-01. Review status: criteria provided, single submitter. Criteria: CeGaT Center For Human Genetics Tuebingen Variant Classification Criteria Version 2. Collection method: clinical testing. Allele origin: germline. Affected: yes. Observed: 1 variant allele.
Comment: TBK1: PM2

Labcorp Genetics (formerly Invitae), Labcorp
Classification: Uncertain significance for Frontotemporal dementia and/or amyotrophic lateral sclerosis 4. Last evaluated: 2022-06-30. Review status: criteria provided, single submitter. Criteria: Invitae Variant Classification Sherloc (09022015). Collection method: clinical testing. Allele origin: germline.
Comment: This sequence change replaces threonine, which is neutral and polar, with alanine, which is neutral and non-polar, at codon 96 of the TBK1 protein (p.Thr96Ala). This variant is not present in population databases (gnomAD no frequency). This variant has not been reported in the literature in individuals affected with TBK1-related conditions. Advanced modeling of protein sequence and biophysical properties (such as structural, functional, and spatial information, amino acid conservation, physicochemical variation, residue mobility, and thermodynamic stability) performed at Invitae indicates that this missense variant is not expected to disrupt TBK1 protein function. In summary, the available evidence is currently insufficient to determine the role of this variant in disease. Therefore, it has been classified as a Variant of Uncertain Significance.

NM_013254.4(TBK1):c.286A>G (p.Thr96Ala)

Gene: TBK1 (TANK binding kinase 1; plus strand). Cytogenetic location: 12q14.2.
Variant type: single nucleotide variant.
Coding change: c.286A>G on transcript NM_013254.4 (MANE Select); coding-DNA position 286, A replaced by G.
Protein change: p.Thr96Ala; replaces threonine 96 with alanine.
Molecular consequence: missense variant.
Genome position (GRCh38, 1-based): chr12:64,464,391, A>G. VCF-style: chr12-64464391-A-G. GRCh37 (hg19) VCF-style: chr12-64858171-A-G.
Other names: short protein forms T96A.
Identifiers: ClinVar variation 2096411 (VCV002096411.28), dbSNP rs2539488951, ClinGen allele CA385595456.